The following is an entry in ClinVar:

NM_001009944.3(PKD1):c.6031C>T (p.Gln2011Ter)

Gene: PKD1 (polycystin 1, transient receptor potential channel interacting; minus strand). Cytogenetic location: 16p13.3.
Variant type: single nucleotide variant.
Coding change: c.6031C>T on transcript NM_001009944.3 (MANE Select); coding-DNA position 6031, C replaced by T.
Protein change: p.Gln2011Ter; replaces glutamine 2011 with a stop codon.
Molecular consequence: nonsense.
Genome position (GRCh38, 1-based): chr16:2,109,136, G>A on the plus strand (C>T on the coding strand, the complement: PKD1 is on the minus strand). VCF-style: chr16-2109136-G-A. GRCh37 (hg19) VCF-style: chr16-2159137-G-A.
Other names: c.6031C>T, p.Gln2011Ter (NM_000296.4); short protein forms Q2011*.
Identifiers: ClinVar variation 523776 (VCV000523776.10), dbSNP rs1555454739, ClinGen allele CA394374645.

ClinVar aggregate classification (germline): Pathogenic. Review status: criteria provided, multiple submitters, no conflicts (2 of 4 stars). 7 submissions from 7 submitters: Pathogenic (6). 1 of the submissions does not count toward it. Last evaluated 2024-01-01.

Conditions:
Polycystic kidney disease, adult type (PKD1). Also called: POLYCYSTIC KIDNEY DISEASE, ADULT, TYPE I; Polycystic Kidney Disease 1, Autosomal Dominant; Polycystic kidney disease 1; Polycystic kidney disease 1, severe; Polycystic Kidney, Autosomal Dominant; POLYCYSTIC KIDNEY DISEASE 1 WITH OR WITHOUT POLYCYSTIC LIVER DISEASE. Identifiers: MedGen C3149841, MONDO:0008263, OMIM 173900.
PKD1-related disorder. Also called: PKD1-related condition.

Submissions (7):

Daryl Scott Lab, Baylor College of Medicine
Classification: Pathogenic for Polycystic kidney disease, adult type. Last evaluated: 2024-01-01. Review status: criteria provided, single submitter. Criteria: ACMG Guidelines, 2015. Collection method: clinical testing. Allele origin: unknown. Affected: yes. Observed: 1 heterozygote.
Comment: PVS1, PS4, PM2

GeneDx
Classification: Pathogenic. Last evaluated: 2023-08-14. Review status: criteria provided, single submitter. Criteria: GeneDx Variant Classification Process June 2021. Collection method: clinical testing. Allele origin: germline. Affected: yes.
Comment: Nonsense variant predicted to result in protein truncation or nonsense mediated decay in a gene for which loss of function is a known mechanism of disease; Not observed at significant frequency in large population cohorts (gnomAD); This variant is associated with the following publications: (PMID: 33111320, 30586318, 22508176)

PreventionGenetics, part of Exact Sciences
Classification: Pathogenic for PKD1-related condition. Last evaluated: 2022-08-19. Review status: criteria provided, single submitter. Criteria: ACMG Guidelines, 2015. Collection method: clinical testing. Allele origin: germline.
Comment: The PKD1 c.6031C>T variant is predicted to result in premature protein termination (p.Gln2011*). This variant has been reported in individuals with polycystic kidney disease (Audrézet et al. 2012. PubMed ID: 22508176, Supp. Table S4; Shi et al. 2020. PubMed ID: 33111320). This variant has not been reported in a large population database, indicating this variant is rare. Nonsense variants in PKD1 are expected to be pathogenic. This variant is interpreted as pathogenic.

Blueprint Genetics
Classification: Pathogenic for PKD1-related disorders. Last evaluated: 2021-11-10. Review status: criteria provided, single submitter. Criteria: ACMG Guidelines, 2015. Collection method: clinical testing. Allele origin: germline. Affected: yes. Observed: 1 variant allele.

Fulgent Genetics
Classification: Pathogenic for Polycystic kidney disease, adult type. Last evaluated: 2021-07-03. Review status: criteria provided, single submitter. Criteria: ACMG Guidelines, 2015. Collection method: clinical testing. Allele origin: unknown.

Baylor Genetics
Classification: Pathogenic for Polycystic kidney disease, adult type. Last evaluated: 2020-06-08. Review status: criteria provided, single submitter. Criteria: ACMG Guidelines, 2015. Collection method: clinical testing. Allele origin: unknown. Affected: yes.
Comment: This variant was determined to be pathogenic according to ACMG Guidelines, 2015 [PMID:25741868]. This variant has been previously reported as disease-causing in one patient [PMID 22508176]

Gharavi Laboratory, Columbia University
Classification: Pathogenic. Last evaluated: 2018-09-16. Review status: no assertion criteria provided. Criteria: ACMG Guidelines, 2015. Collection method: research. Allele origin: germline. Affected: yes. Not counted in ClinVar's aggregate classification.

Literature cited by the submitters: PubMed 22508176 (cited by Baylor Genetics).